The following is an entry in ClinVar:

NM_020738.4(KIDINS220):c.2781C>T (p.Thr927=)

Gene: KIDINS220 (kinase D interacting substrate 220; minus strand). Cytogenetic location: 2p25.1.
Variant type: single nucleotide variant.
Coding change: c.2781C>T on transcript NM_020738.4 (MANE Select); coding-DNA position 2781, C replaced by T.
Protein change: p.Thr927=; no amino-acid change (threonine 927 retained).
Molecular consequence: synonymous variant. On other transcripts: non-coding transcript variant (2).
Genome position (GRCh38, 1-based): chr2:8,776,815, G>A on the plus strand (C>T on the coding strand, the complement: KIDINS220 is on the minus strand). VCF-style: chr2-8776815-G-A. GRCh37 (hg19) VCF-style: chr2-8916945-G-A.
Other names: c.2784C>T, p.Thr928= (NM_001348729.2, NM_001348731.2, NM_001348734.2 and 3 more transcripts); c.2781C>T, p.Thr927= (NM_001348732.2, NM_001348735.2, NM_001348738.2 and 3 more transcripts); c.2655C>T, p.Thr885= (NM_001348736.2).
Identifiers: ClinVar variation 1673888 (VCV001673888.33), dbSNP rs2304590, ClinGen allele CA1519879.

ClinVar aggregate classification (germline): Benign/Likely benign. Review status: criteria provided, multiple submitters, no conflicts (2 of 4 stars). 3 submissions from 3 submitters: Benign (1); Likely benign (2). Last evaluated 2025-11-01.

Allele frequency attached by ClinVar (database versions not stated): ESP Exome Variant Server 0.00016; 1000 Genomes Project 30x 0.00078; 1000 Genomes Project 0.00080.
gnomAD v4.1: 286 of 1,613,918 alleles (0.018%); highest among the groups gnomAD compares: East Asian, 0.35%; 1 homozygote.

Submissions (3):

CeGaT Center for Human Genetics Tuebingen
Classification: Likely benign. Last evaluated: 2025-11-01. Review status: criteria provided, single submitter. Criteria: CeGaT Center For Human Genetics Tuebingen Variant Classification Criteria Version 2. Collection method: clinical testing. Allele origin: germline. Affected: yes. Observed: 2 variant alleles.
Comment: KIDINS220: BP4, BP7

Labcorp Genetics (formerly Invitae), Labcorp
Classification: Benign. Last evaluated: 2025-10-09. Review status: criteria provided, single submitter. Criteria: Invitae Variant Classification Sherloc (09022015). Collection method: clinical testing. Allele origin: germline.

Blueprint Genetics
Classification: Likely benign. Last evaluated: 2024-11-18. Review status: criteria provided, single submitter. Criteria: ACMG Guidelines, 2015. Collection method: clinical testing. Allele origin: germline.